The following is an entry in ClinVar:

NM_020374.4(FERRY3):c.983T>C (p.Leu328Pro)

Gene: FERRY3 (FERRY endosomal RAB5 effector complex subunit 3; minus strand). Cytogenetic location: 12p13.32.
Variant type: single nucleotide variant.
Coding change: c.983T>C on transcript NM_020374.4 (MANE Select); coding-DNA position 983, T replaced by C.
Protein change: p.Leu328Pro; replaces leucine 328 with proline.
Molecular consequence: missense variant. On other transcripts: non-coding transcript variant (1).
Genome position (GRCh38, 1-based): chr12:4,518,108, A>G on the plus strand (T>C on the coding strand, the complement: FERRY3 is on the minus strand). VCF-style: chr12-4518108-A-G. GRCh37 (hg19) VCF-style: chr12-4627274-A-G.
Other names: C12ORF4, LEU328PRO; c.983T>C, p.Leu328Pro (NM_001304811.2, NM_001346153.2, NM_001346155.2); c.464T>C, p.Leu155Pro (NM_001346156.2, NM_001346157.2); c.131T>C, p.Leu44Pro (NM_001352962.2); short protein forms L328P, L155P, L44P.
Identifiers: ClinVar variation 592163 (VCV000592163.3), dbSNP rs1468772495, ClinGen allele CA383421842.

ClinVar aggregate classification (germline): Likely pathogenic. Review status: criteria provided, single submitter (1 of 4 stars). 2 submissions from 2 submitters: Likely pathogenic (1). 1 of the submissions does not count toward it. Last evaluated 2020-02-14.

Conditions:
Intellectual developmental disorder, autosomal recessive 66. Also called: Mental retardation, autosomal recessive 66; Intellectual disability, autosomal recessive 66. Identifiers: MedGen C4748732, MONDO:0032605, OMIM 618221.

Allele frequency attached by ClinVar (database versions not stated): gnomAD exomes 0.00004 and 0.00003; TOPMed below 0.00001; gnomAD 0.00005.
gnomAD v4.1: 34 of 1,613,858 alleles (0.0021%); highest among the groups gnomAD compares: Non-Finnish European, 0.000085%; no homozygotes.

Submissions (2):

SIB Swiss Institute of Bioinformatics
Classification: Likely pathogenic for Intellectual developmental disorder, autosomal recessive 66. Last evaluated: 2020-02-14. Review status: criteria provided, single submitter. Criteria: ACMG Guidelines, 2015. Collection method: curation. Allele origin: unknown.
Comment: This variant is interpreted as likely pathogenic for Mental retardation, autosomal recessive 66. The following ACMG Tag(s) were applied: PM2, PP1-Moderate, PP3, PM3-Supporting.

OMIM
Classification: Pathogenic for INTELLECTUAL DEVELOPMENTAL DISORDER, AUTOSOMAL RECESSIVE 66. Last evaluated: 2021-12-22. Review status: no assertion criteria provided. Collection method: literature only. Allele origin: germline. Not counted in ClinVar's aggregate classification.

Literature cited by the submitters: PubMed 27311568 (cited by SIB Swiss Institute of Bioinformatics and OMIM).